The following is an entry in ClinVar:

ClinVar aggregate classification (germline): Likely benign. Review status: criteria provided, multiple submitters, no conflicts (2 of 4 stars). 5 submissions from 5 submitters: Likely benign (4). 1 of the submissions does not count toward it. Last evaluated 2025-11-03.

Conditions:
Autosomal dominant familial hematuria-retinal arteriolar tortuosity-contractures syndrome. Also called: Hereditary Angiopathy with Nephropathy, Aneurysms, and Muscle Cramps (HANAC) Syndrome; Angiopathy, hereditary, with nephropathy, aneurysms, and muscle cramps. Identifiers: Orphanet 73229, MedGen C2673195, MONDO:0012726, OMIM 611773.
Brain small vessel disease 1 with or without ocular anomalies (BSVD1). Also called: BRAIN SMALL VESSEL DISEASE WITH HEMORRHAGE; GOULD SYNDROME 1; Brain small vessel disease with or without ocular anomalies; PORENCEPHALY, TYPE 1, AUTOSOMAL DOMINANT. Identifiers: Orphanet 2940, Orphanet 36383, Orphanet 99810, MedGen C4755307, MONDO:0008289, OMIM 175780.
Hemorrhage, intracerebral, susceptibility to (ICH). Also called: Stroke, hemorrhagic, susceptibility to. Identifiers: MedGen C3281105, MONDO:0100533, OMIM 614519.
Retinal arterial tortuosity. Also called: Retinal arteries, tortuosity of; RETINAL HEMORRHAGE WITH VASCULAR TORTUOSITY. Identifiers: Orphanet 75326, MedGen C0423401, MONDO:0008373, OMIM 180000, HP:0000631.
Microangiopathy and leukoencephalopathy, pontine, autosomal dominant. Also called: Pontine autosomal dominant microangiopathy with leukoencephalopathy; DEMENTIA, HEREDITARY MULTI-INFARCT, SWEDISH TYPE. Identifiers: Orphanet 477749, MedGen C5231411, MONDO:0032814, OMIM 618564.
COL4A1-related disorder. Also called: COL4A1-related disorders; COL4A1-related condition. Identifiers: MedGen CN376119, MONDO:0800461.

Allele frequency attached by ClinVar (database versions not stated): gnomAD 0.00006; ESP Exome Variant Server 0.00008; gnomAD exomes 0.00011 and 0.00003; ExAC 0.00001; TOPMed 0.00005.
gnomAD v4.1: 181 of 1,614,086 alleles (0.011%); highest among the groups gnomAD compares: Non-Finnish European, 0.014%; no homozygotes.

Submissions (5):

Labcorp Genetics (formerly Invitae), Labcorp
Classification: Likely benign. Last evaluated: 2025-11-03. Review status: criteria provided, single submitter. Criteria: Invitae Variant Classification Sherloc (09022015). Collection method: clinical testing. Allele origin: germline.

Blueprint Genetics
Classification: Likely benign. Last evaluated: 2024-02-06. Review status: criteria provided, single submitter. Criteria: ACMG Guidelines, 2015. Collection method: clinical testing. Allele origin: germline.

CeGaT Center for Human Genetics Tuebingen
Classification: Likely benign. Last evaluated: 2022-05-01. Review status: criteria provided, single submitter. Criteria: CeGaT Center For Human Genetics Tuebingen Variant Classification Criteria Version 2. Collection method: clinical testing. Allele origin: germline. Affected: yes. Observed: 1 variant allele.
Comment: COL4A1: BP4, BP7

Fulgent Genetics
Classification: Likely benign for Brain small vessel disease 1 with or without ocular anomalies; Retinal arterial tortuosity; Autosomal dominant familial hematuria-retinal arteriolar tortuosity-contractures syndrome; Hemorrhage, intracerebral, susceptibility to; Microangiopathy and leukoencephalopathy, pontine, autosomal dominant. Last evaluated: 2021-10-20. Review status: criteria provided, single submitter. Criteria: ACMG Guidelines, 2015. Collection method: clinical testing. Allele origin: unknown.

PreventionGenetics, part of Exact Sciences
Classification: Likely benign for COL4A1-related condition. Last evaluated: 2023-09-20. Review status: no assertion criteria provided. Collection method: clinical testing. Allele origin: germline. Not counted in ClinVar's aggregate classification.
Comment: This variant is classified as likely benign based on ACMG/AMP sequence variant interpretation guidelines (Richards et al. 2015 PMID: 25741868, with internal and published modifications).

NM_001845.6(COL4A1):c.4608C>T (p.Ile1536=)

Gene: COL4A1 (collagen type IV alpha 1 chain; minus strand). Cytogenetic location: 13q34.
Variant type: single nucleotide variant.
Coding change: c.4608C>T on transcript NM_001845.6 (MANE Select); coding-DNA position 4608, C replaced by T.
Protein change: p.Ile1536=; no amino-acid change (isoleucine 1536 retained).
Molecular consequence: synonymous variant.
Genome position (GRCh38, 1-based): chr13:110,161,224, G>A on the plus strand (C>T on the coding strand, the complement: COL4A1 is on the minus strand). VCF-style: chr13-110161224-G-A. GRCh37 (hg19) VCF-style: chr13-110813571-G-A.
Identifiers: ClinVar variation 767316 (VCV000767316.36), dbSNP rs377100994, ClinGen allele CA7046890.